The following is an entry in ClinVar:

ClinVar aggregate classification (germline): Conflicting classifications of pathogenicity. Review status: criteria provided, conflicting classifications (1 of 4 stars). 7 submissions from 7 submitters: Likely pathogenic (1); Uncertain significance (6). Last evaluated 2025-10-01.

Conditions:
Neurodegeneration with ataxia and late-onset optic atrophy. Identifiers: MedGen C5543254, MONDO:0031006, OMIM 619259.
Mitochondrial complex II deficiency, nuclear type 1. Also called: SUCCINATE CoQ REDUCTASE DEFICIENCY. Identifiers: Orphanet 3208, MedGen C5700310, MONDO:0100294, OMIM 252011.
Pheochromocytoma/paraganglioma syndrome 5. Also called: Paragangliomas 5; SDHA-Related Hereditary Paraganglioma-Pheochromocytoma Syndrome. Identifiers: Orphanet 29072, MedGen C3279992, MONDO:0013602, OMIM 614165.
Dilated cardiomyopathy 1GG (CMD1GG). Identifiers: Orphanet 154, MedGen C3150898, MONDO:0013339, OMIM 613642.
Hereditary cancer-predisposing syndrome. Also called: Hereditary Cancer Syndrome; Hereditary neoplastic syndrome; Neoplastic Syndromes, Hereditary; Tumor predisposition. Identifiers: Orphanet 140162, MedGen C0027672, MeSH D009386, MONDO:0015356.

Allele frequency attached by ClinVar (database versions not stated): gnomAD 0.00001; TOPMed 0.00001; gnomAD exomes 0.00003.
gnomAD v4.1: 50 of 1,601,688 alleles (0.0031%); highest among the groups gnomAD compares: Non-Finnish European, 0.004%; no homozygotes.

Submissions (7):

Ambry Genetics
Classification: Likely pathogenic for Hereditary cancer-predisposing syndrome. Last evaluated: 2025-10-01. Review status: criteria provided, single submitter. Criteria: Ambry Variant Classification Scheme 2023. Collection method: clinical testing. Allele origin: germline.
Comment: The p.R600W variant (also known as c.1798C>T), located in coding exon 14 of the SDHA gene, results from a C to T substitution at nucleotide position 1798. The arginine at codon 600 is replaced by tryptophan, an amino acid with dissimilar properties. This variant has been observed in at least one individual with a personal and/or family history that is consistent with SDHA-related paraganglioma-pheochromocytoma syndrome (Ambry internal data). Based on internal structural analysis, the variant is moderately destabilizing to the local structure (Ambry internal data). This amino acid position is highly conserved in available vertebrate species. In addition, this alteration is predicted to be deleterious by in silico analysis. This variant is considered to be rare based on population cohorts in the Genome Aggregation Database (gnomAD). Based on the majority of available evidence to date, this variant is likely to be pathogenic.

Molecular Pathology, Peter Maccallum Cancer Centre
Classification: Uncertain significance for Pheochromocytoma/paraganglioma syndrome 5. Last evaluated: 2025-05-21. Review status: criteria provided, single submitter. Criteria: ACMG Guidelines, 2015. Collection method: clinical testing. Allele origin: germline. Inheritance: Autosomal dominant inheritance.

Labcorp Genetics (formerly Invitae), Labcorp
Classification: Uncertain significance for Pheochromocytoma/paraganglioma syndrome 5; Mitochondrial complex II deficiency, nuclear type 1. Last evaluated: 2025-05-05. Review status: criteria provided, single submitter. Criteria: Invitae Variant Classification Sherloc (09022015). Collection method: clinical testing. Allele origin: germline.
Comment: This sequence change replaces arginine, which is basic and polar, with tryptophan, which is neutral and slightly polar, at codon 600 of the SDHA protein (p.Arg600Trp). The frequency data for this variant in the population databases is considered unreliable, as metrics indicate poor data quality at this position in the gnomAD database. This variant has not been reported in the literature in individuals affected with SDHA-related conditions. ClinVar contains an entry for this variant (Variation ID: 239659). Invitae Evidence Modeling of protein sequence and biophysical properties (such as structural, functional, and spatial information, amino acid conservation, physicochemical variation, residue mobility, and thermodynamic stability) has been performed for this missense variant. However, the output from this modeling did not meet the statistical confidence thresholds required to predict the impact of this variant on SDHA protein function. In summary, the available evidence is currently insufficient to determine the role of this variant in disease. Therefore, it has been classified as a Variant of Uncertain Significance.

Women's Health and Genetics/Laboratory Corporation of America, LabCorp
Classification: Uncertain significance. Last evaluated: 2025-05-05. Review status: criteria provided, single submitter. Criteria: LabCorp Variant Classification Summary - May 2015. Collection method: clinical testing. Allele origin: germline.
Comment: Variant summary: SDHA c.1798C>T (p.Arg600Trp) results in a non-conservative amino acid change located in the C-terminal domain (IPR015939) of the encoded protein sequence. Algorithms developed to predict the effect of missense changes on protein structure and function are either unavailable or do not agree on the potential impact of this missense change. The variant allele was found at a frequency of 3.1e-05 in 1595078 control chromosomes (gnomAD v4.1). This frequency is not significantly higher than estimated for a pathogenic variant in SDHA causing Neurodegeneration With Ataxia And Late-Onset Optic Atrophy, allowing no conclusion about variant significance. To our knowledge, no occurrence of c.1798C>T in individuals affected with Neurodegeneration With Ataxia And Late-Onset Optic Atrophy and no experimental evidence demonstrating its impact on protein function have been reported. ClinVar contains an entry for this variant (Variation ID: 239659). Based on the evidence outlined above, the variant was classified as uncertain significance.

Quest Diagnostics Nichols Institute San Juan Capistrano
Classification: Uncertain significance. Last evaluated: 2025-04-30. Review status: criteria provided, single submitter. Criteria: Quest Diagnostics criteria. Collection method: clinical testing. Allele origin: unknown.
Comment: The SDHA c.1798C>T (p.Arg600Trp) variant has been reported in published literature in a reportedly unaffected individual (PMID: 38473309 (2024) and as a somatic variant in Gastrointestinal Stromal Tumor (PMID: 27011036 (2013)). The frequency of this variant in the general population (Genome Aggregation Database) is uninformative in the assessment of its pathogenicity. Analysis of this variant using bioinformatics tools for the prediction of the effect of amino acid changes on protein structure and function yielded predictions that this variant is damaging. Based on the available information, we are unable to determine the clinical significance of this variant

GeneDx
Classification: Uncertain significance. Last evaluated: 2022-07-15. Review status: criteria provided, single submitter. Criteria: GeneDx Variant Classification Process June 2021. Collection method: clinical testing. Allele origin: germline. Affected: yes.
Comment: Not observed at significant frequency in large population cohorts (gnomAD); In silico analysis supports that this missense variant has a deleterious effect on protein structure/function; Has not been previously published as pathogenic or benign to our knowledge

Fulgent Genetics
Classification: Uncertain significance for Mitochondrial complex II deficiency, nuclear type 1; Dilated cardiomyopathy 1GG; Pheochromocytoma/paraganglioma syndrome 5; Neurodegeneration with ataxia and late-onset optic atrophy. Last evaluated: 2021-09-24. Review status: criteria provided, single submitter. Criteria: ACMG Guidelines, 2015. Collection method: clinical testing. Allele origin: unknown.

Literature cited by the submitters: PubMed 38473309 (cited by Quest Diagnostics Nichols Institute San Juan Capistrano); PubMed 27011036 (cited by Quest Diagnostics Nichols Institute San Juan Capistrano).

NM_004168.4(SDHA):c.1798C>T (p.Arg600Trp)

Gene: SDHA (succinate dehydrogenase complex flavoprotein subunit A; plus strand). Cytogenetic location: 5p15.33.
Variant type: single nucleotide variant.
Coding change: c.1798C>T on transcript NM_004168.4 (MANE Select); coding-DNA position 1798, C replaced by T.
Protein change: p.Arg600Trp; replaces arginine 600 with tryptophan.
Molecular consequence: missense variant.
Genome position (GRCh38, 1-based): chr5:254,396, C>T. VCF-style: chr5-254396-C-T. GRCh37 (hg19) VCF-style: chr5-254511-C-T.
Other names: c.1654C>T, p.Arg552Trp (NM_001294332.2); c.1555C>T, p.Arg519Trp (NM_001330758.2); short protein forms R600W, R552W, R519W.
Identifiers: ClinVar variation 239659 (VCV000239659.21), dbSNP rs878854630, ClinGen allele CA10582432.